The following is an entry in ClinVar:

ClinVar aggregate classification (germline): Uncertain significance (1 of 4 stars; one submission).

Allele frequency attached by ClinVar (database versions not stated): gnomAD exomes below 0.00001; ExAC 0.00001.
gnomAD v4.1: 1 of 1,609,602 alleles (0.000062%); no homozygotes.

Submission:

Labcorp Genetics (formerly Invitae), Labcorp
Classification: Uncertain significance. Last evaluated: 2021-02-25. Review status: criteria provided, single submitter. Criteria: Invitae Variant Classification Sherloc (09022015). Collection method: clinical testing. Allele origin: germline.
Comment: This sequence change replaces lysine with arginine at codon 712 of the PLOD2 protein (p.Lys712Arg). The lysine residue is moderately conserved and there is a small physicochemical difference between lysine and arginine. This variant is present in population databases (rs776917428, ExAC 0.02%). This variant has not been reported in the literature in individuals with PLOD2-related conditions. Algorithms developed to predict the effect of missense changes on protein structure and function (SIFT, PolyPhen-2, Align-GVGD) all suggest that this variant is likely to be tolerated, but these predictions have not been confirmed by published functional studies and their clinical significance is uncertain. In summary, the available evidence is currently insufficient to determine the role of this variant in disease. Therefore, it has been classified as a Variant of Uncertain Significance.

NM_182943.3(PLOD2):c.2135A>G (p.Lys712Arg)

Gene: PLOD2 (procollagen-lysine,2-oxoglutarate 5-dioxygenase 2; minus strand). Cytogenetic location: 3q24.
Variant type: single nucleotide variant.
Coding change: c.2135A>G on transcript NM_182943.3 (MANE Select); coding-DNA position 2135, A replaced by G.
Protein change: p.Lys712Arg; replaces lysine 712 with arginine.
Molecular consequence: missense variant.
Genome position (GRCh38, 1-based): chr3:146,070,859, T>C on the plus strand (A>G on the coding strand, the complement: PLOD2 is on the minus strand). VCF-style: chr3-146070859-T-C. GRCh37 (hg19) VCF-style: chr3-145788646-T-C.
Other names: c.2072A>G, p.Lys691Arg (NM_000935.3); short protein forms K712R, K691R.
Identifiers: ClinVar variation 1462736 (VCV001462736.8), dbSNP rs776917428, ClinGen allele CA2654670.